The following is an entry in ClinVar:

NM_153460.4(IL17RC):c.272C>T (p.Ala91Val)

Gene: IL17RC (interleukin 17 receptor C; plus strand). Cytogenetic location: 3p25.3.
Variant type: single nucleotide variant.
Coding change: c.272C>T on transcript NM_153460.4 (MANE Select); coding-DNA position 272, C replaced by T.
Protein change: p.Ala91Val; replaces alanine 91 with valine.
Molecular consequence: missense variant. On other transcripts: non-coding transcript variant (1).
Genome position (GRCh38, 1-based): chr3:9,918,067, C>T. VCF-style: chr3-9918067-C-T. GRCh37 (hg19) VCF-style: chr3-9959751-C-T.
Other names: c.272C>T, p.Ala91Val (NM_001203263.2, NM_001203264.2, NM_001203265.2 and 4 more transcripts); c.485C>T, p.Ala162Val (NM_153461.4); short protein forms A91V, A162V.
Identifiers: ClinVar variation 644797 (VCV000644797.5), dbSNP rs1575518633, ClinGen allele CA351755481.

ClinVar aggregate classification (germline): Uncertain significance (1 of 4 stars; one submission).

Conditions:
Candidiasis, familial, 9 (CANDF9). Identifiers: Orphanet 1334, MedGen C4225324, MONDO:0014642, OMIM 616445.

Submission:

Labcorp Genetics (formerly Invitae), Labcorp
Classification: Uncertain significance for Candidiasis, familial, 9. Last evaluated: 2018-07-09. Review status: criteria provided, single submitter. Criteria: Invitae Variant Classification Sherloc (09022015). Collection method: clinical testing. Allele origin: germline.
Comment: In summary, the available evidence is currently insufficient to determine the role of this variant in disease. Therefore, it has been classified as a Variant of Uncertain Significance. Algorithms developed to predict the effect of missense changes on protein structure and function are either unavailable or do not agree on the potential impact of this missense change (SIFT: "Deleterious"; PolyPhen-2: "Benign"; Align-GVGD: "Class C0"). This variant has not been reported in the literature in individuals with IL17RC-related disease. This variant is not present in population databases (ExAC no frequency). This sequence change replaces alanine with valine at codon 162 of the IL17RC protein (p.Ala162Val). The alanine residue is highly conserved and there is a small physicochemical difference between alanine and valine.